The following is an entry in ClinVar:

NM_152866.3(MS4A1):c.70C>T (p.Gln24Ter)

Gene: MS4A1 (membrane spanning 4-domains A1; plus strand). Cytogenetic location: 11q12.2.
Variant type: single nucleotide variant.
Coding change: c.70C>T on transcript NM_152866.3 (MANE Select); coding-DNA position 70, C replaced by T.
Protein change: p.Gln24Ter; replaces glutamine 24 with a stop codon.
Molecular consequence: nonsense.
Genome position (GRCh38, 1-based): chr11:60,462,444, C>T. VCF-style: chr11-60462444-C-T. GRCh37 (hg19) VCF-style: chr11-60229917-C-T.
Other names: c.70C>T, p.Gln24Ter (NM_021950.4, NM_152867.2); short protein forms Q24*.
Identifiers: ClinVar variation 2072267 (VCV002072267.4), dbSNP rs201354938, ClinGen allele CA6024860.

ClinVar aggregate classification (germline): Uncertain significance (1 of 4 stars; one submission).

Allele frequency attached by ClinVar (database versions not stated): ExAC 0.00003; 1000 Genomes Project 30x 0.00031; TOPMed 0.00005; gnomAD 0.00006; 1000 Genomes Project 0.00040.
gnomAD v4.1: 18 of 1,614,194 alleles (0.0011%); highest among the groups gnomAD compares: African/African-American, 0.019%; no homozygotes.

Submission:

Labcorp Genetics (formerly Invitae), Labcorp
Classification: Uncertain significance. Last evaluated: 2024-10-03. Review status: criteria provided, single submitter. Criteria: Invitae Variant Classification Sherloc (09022015). Collection method: clinical testing. Allele origin: germline.
Comment: This sequence change creates a premature translational stop signal (p.Gln24*) in the MS4A1 gene. It is expected to result in an absent or disrupted protein product. However, the current clinical and genetic evidence is not sufficient to establish whether loss-of-function variants in MS4A1 cause disease. This variant is present in population databases (rs201354938, gnomAD 0.03%). This variant has not been reported in the literature in individuals affected with MS4A1-related conditions. ClinVar contains an entry for this variant (Variation ID: 2072267). In summary, the available evidence is currently insufficient to determine the role of this variant in disease. Therefore, it has been classified as a Variant of Uncertain Significance.